The following is an entry in ClinVar:

NM_000165.5(GJA1):c.-16-12T>A

Gene: GJA1 (gap junction protein alpha 1; plus strand). Cytogenetic location: 6q22.31.
Variant type: single nucleotide variant.
Coding change: c.-16-12T>A on transcript NM_000165.5 (MANE Select); 12 bases into the intron before 16 bases upstream of the start codon, T replaced by A.
Molecular consequence: intron variant.
Genome position (GRCh38, 1-based): chr6:121,446,820, T>A. VCF-style: chr6-121446820-T-A. GRCh37 (hg19) VCF-style: chr6-121767966-T-A.
Other names: NC_000006.11:g.121767966T>A.
Identifiers: ClinVar variation 355158 (VCV000355158.24), dbSNP rs56199702, ClinGen allele CA3981646.

ClinVar aggregate classification (germline): Conflicting classifications of pathogenicity. Review status: criteria provided, conflicting classifications (1 of 4 stars). 6 submissions from 4 submitters: Uncertain significance (1); Benign (4); Likely benign (1). Last evaluated 2026-07-01.

Conditions:
Oculodentodigital dysplasia (ODDD). Also called: ODD SYNDROME; Oculodentodigital syndrome. Identifiers: Orphanet 2710, MedGen C0812437, MONDO:0008111, OMIM 164200.
Syndactyly type 3 (SDTY3). Also called: SYNDACTYLY OF FINGERS IV AND V; RING AND LITTLE FINGER SYNDACTYLY. Identifiers: Orphanet 93404, MedGen C1861366, MONDO:0008514, OMIM 186100.
Hypoplastic left heart syndrome 1 (HLHS1). Identifiers: Orphanet 2248, MedGen C4551854, MONDO:0009433, OMIM 241550.

Allele frequency attached by ClinVar (database versions not stated): 1000 Genomes Project 0.00160; 1000 Genomes Project 30x 0.00172; TOPMed 0.00429; ESP Exome Variant Server 0.00492.

Submissions 1 to 30 of 40:

CeGaT Center for Human Genetics Tuebingen
Classification: Benign. Last evaluated: 2026-07-01. Review status: criteria provided, single submitter. Criteria: CeGaT Center For Human Genetics Tuebingen Variant Classification Criteria Version 2. Collection method: clinical testing. Allele origin: germline. Affected: yes. Observed: 22 variant alleles.
Comment: GJA1: PP3, BS1, BS2

GeneDx
Classification: Benign. Last evaluated: 2019-10-28. Review status: criteria provided, single submitter. Criteria: GeneDx Variant Classification Process June 2021. Collection method: clinical testing. Allele origin: germline. Affected: yes.

Illumina Laboratory Services, Illumina
Classification: Benign for Syndactyly type 3. Last evaluated: 2018-01-13. Review status: criteria provided, single submitter. Criteria: ICSL Variant Classification Criteria 13 December 2019. Collection method: clinical testing. Allele origin: germline.
Comment: This variant was observed in the ICSL laboratory as part of a predisposition screen in an ostensibly healthy population. It had not been previously curated by ICSL or reported in the Human Gene Mutation Database (HGMD: prior to June 1st, 2018), and was therefore a candidate for classification through an automated scoring system. Utilizing variant allele frequency, disease prevalence and penetrance estimates, and inheritance mode, an automated score was calculated to assess if this variant is too frequent to cause the disease. Based on the score and internal cut-off values, a variant classified as benign is not then subjected to further curation. The score for this variant resulted in a classification of benign for this disease.

Illumina Laboratory Services, Illumina
Classification: Uncertain significance for Hypoplastic left heart syndrome 1. Last evaluated: 2018-01-13. Review status: criteria provided, single submitter. Criteria: ICSL Variant Classification Criteria 13 December 2019. Collection method: clinical testing. Allele origin: germline.

Illumina Laboratory Services, Illumina
Classification: Benign for Oculodentodigital dysplasia. Last evaluated: 2018-01-13. Review status: criteria provided, single submitter. Criteria: ICSL Variant Classification Criteria 13 December 2019. Collection method: clinical testing. Allele origin: germline.
Comment: the same text as in the submission from Illumina Laboratory Services, Illumina above.

Center for Pediatric Genomic Medicine, Children's Mercy Hospital and Clinics
Classification: Likely benign. Last evaluated: 2017-01-24. Review status: criteria provided, single submitter. Criteria: ACMG Guidelines, 2015. Collection method: clinical testing. Allele origin: germline.
ClinVar note: Converted during submission from Likely Benign to Likely benign.

Dr. Peter K. Rogan Lab, Western University
No classification provided (evidence only). Condition: Lung cancer. Review status: no classification provided. Collection method: in vitro. Allele origin: not applicable. Functional consequence: retained intron. Not counted in ClinVar's aggregate classification.

Dr. Peter K. Rogan Lab, Western University
No classification provided (evidence only). Condition: Lung cancer. Review status: no classification provided. Collection method: in vitro. Allele origin: not applicable. Functional consequence: retained intron. Not counted in ClinVar's aggregate classification.

Dr. Peter K. Rogan Lab, Western University
No classification provided (evidence only). Condition: Lung cancer. Review status: no classification provided. Collection method: in vitro. Allele origin: not applicable. Functional consequence: retained intron. Not counted in ClinVar's aggregate classification.

Dr. Peter K. Rogan Lab, Western University
No classification provided (evidence only). Condition: Familial cancer of breast. Review status: no classification provided. Collection method: in vitro. Allele origin: not applicable. Functional consequence: retained intron. Not counted in ClinVar's aggregate classification.

Dr. Peter K. Rogan Lab, Western University
No classification provided (evidence only). Condition: Familial cancer of breast. Review status: no classification provided. Collection method: in vitro. Allele origin: not applicable. Functional consequence: retained intron. Not counted in ClinVar's aggregate classification.

Dr. Peter K. Rogan Lab, Western University
No classification provided (evidence only). Condition: Familial cancer of breast. Review status: no classification provided. Collection method: in vitro. Allele origin: not applicable. Functional consequence: retained intron. Not counted in ClinVar's aggregate classification.

Dr. Peter K. Rogan Lab, Western University
No classification provided (evidence only). Condition: Familial cancer of breast. Review status: no classification provided. Collection method: in vitro. Allele origin: not applicable. Functional consequence: retained intron. Not counted in ClinVar's aggregate classification.

Dr. Peter K. Rogan Lab, Western University
No classification provided (evidence only). Condition: Familial cancer of breast. Review status: no classification provided. Collection method: in vitro. Allele origin: not applicable. Functional consequence: retained intron. Not counted in ClinVar's aggregate classification.

Dr. Peter K. Rogan Lab, Western University
No classification provided (evidence only). Condition: Familial cancer of breast. Review status: no classification provided. Collection method: in vitro. Allele origin: not applicable. Functional consequence: retained intron. Not counted in ClinVar's aggregate classification.

Dr. Peter K. Rogan Lab, Western University
No classification provided (evidence only). Condition: Familial cancer of breast. Review status: no classification provided. Collection method: in vitro. Allele origin: not applicable. Functional consequence: retained intron. Not counted in ClinVar's aggregate classification.

Dr. Peter K. Rogan Lab, Western University
No classification provided (evidence only). Condition: Familial cancer of breast. Review status: no classification provided. Collection method: in vitro. Allele origin: not applicable. Functional consequence: retained intron. Not counted in ClinVar's aggregate classification.

Dr. Peter K. Rogan Lab, Western University
No classification provided (evidence only). Condition: Familial cancer of breast. Review status: no classification provided. Collection method: in vitro. Allele origin: not applicable. Functional consequence: retained intron. Not counted in ClinVar's aggregate classification.

Dr. Peter K. Rogan Lab, Western University
No classification provided (evidence only). Condition: Uterine corpus endometrial carcinoma. Review status: no classification provided. Collection method: in vitro. Allele origin: not applicable. Functional consequence: retained intron. Not counted in ClinVar's aggregate classification.

Dr. Peter K. Rogan Lab, Western University
No classification provided (evidence only). Condition: Cervical cancer. Review status: no classification provided. Collection method: in vitro. Allele origin: not applicable. Functional consequence: retained intron. Not counted in ClinVar's aggregate classification.

Dr. Peter K. Rogan Lab, Western University
No classification provided (evidence only). Condition: Cervical cancer. Review status: no classification provided. Collection method: in vitro. Allele origin: not applicable. Functional consequence: retained intron. Not counted in ClinVar's aggregate classification.

Dr. Peter K. Rogan Lab, Western University
No classification provided (evidence only). Condition: Sarcoma. Review status: no classification provided. Collection method: in vitro. Allele origin: not applicable. Functional consequence: retained intron. Not counted in ClinVar's aggregate classification.

Dr. Peter K. Rogan Lab, Western University
No classification provided (evidence only). Condition: Sarcoma. Review status: no classification provided. Collection method: in vitro. Allele origin: not applicable. Functional consequence: retained intron. Not counted in ClinVar's aggregate classification.

Dr. Peter K. Rogan Lab, Western University
No classification provided (evidence only). Condition: Thymoma. Review status: no classification provided. Collection method: in vitro. Allele origin: not applicable. Functional consequence: retained intron. Not counted in ClinVar's aggregate classification.

Dr. Peter K. Rogan Lab, Western University
No classification provided (evidence only). Condition: Thymoma. Review status: no classification provided. Collection method: in vitro. Allele origin: not applicable. Functional consequence: retained intron. Not counted in ClinVar's aggregate classification.

Dr. Peter K. Rogan Lab, Western University
No classification provided (evidence only). Condition: Thymoma. Review status: no classification provided. Collection method: in vitro. Allele origin: not applicable. Functional consequence: retained intron. Not counted in ClinVar's aggregate classification.

Dr. Peter K. Rogan Lab, Western University
No classification provided (evidence only). Condition: Gastric cancer. Review status: no classification provided. Collection method: in vitro. Allele origin: not applicable. Functional consequence: retained intron. Not counted in ClinVar's aggregate classification.

Dr. Peter K. Rogan Lab, Western University
No classification provided (evidence only). Condition: Gastric cancer. Review status: no classification provided. Collection method: in vitro. Allele origin: not applicable. Functional consequence: retained intron. Not counted in ClinVar's aggregate classification.

Dr. Peter K. Rogan Lab, Western University
No classification provided (evidence only). Condition: Gastric cancer. Review status: no classification provided. Collection method: in vitro. Allele origin: not applicable. Functional consequence: retained intron. Not counted in ClinVar's aggregate classification.

Dr. Peter K. Rogan Lab, Western University
No classification provided (evidence only). Condition: Gastric cancer. Review status: no classification provided. Collection method: in vitro. Allele origin: not applicable. Functional consequence: retained intron. Not counted in ClinVar's aggregate classification.